The following is an entry in ClinVar:

NM_005879.3(TRAIP):c.301C>T (p.Gln101Ter)

Gene: TRAIP (TRAF interacting protein; minus strand). Cytogenetic location: 3p21.31.
Variant type: single nucleotide variant.
Coding change: c.301C>T on transcript NM_005879.3 (MANE Select); coding-DNA position 301, C replaced by T.
Protein change: p.Gln101Ter; replaces glutamine 101 with a stop codon.
Molecular consequence: nonsense.
Genome position (GRCh38, 1-based): chr3:49,843,908, G>A on the plus strand (C>T on the coding strand, the complement: TRAIP is on the minus strand). VCF-style: chr3-49843908-G-A. GRCh37 (hg19) VCF-style: chr3-49881341-G-A.
Other names: short protein forms Q101*.
Identifiers: ClinVar variation 2991455 (VCV002991455.3), dbSNP rs200230407, ClinGen allele CA2407865.

ClinVar aggregate classification (germline): Pathogenic (1 of 4 stars; one submission).

Allele frequency attached by ClinVar (database versions not stated): ESP Exome Variant Server 0.00015.
gnomAD v4.1: 41 of 1,610,312 alleles (0.0025%); highest among the groups gnomAD compares: Non-Finnish European, 0.0034%; no homozygotes.

Submission:

Labcorp Genetics (formerly Invitae), Labcorp
Classification: Pathogenic. Last evaluated: 2025-07-21. Review status: criteria provided, single submitter. Criteria: Invitae Variant Classification Sherloc (09022015). Collection method: clinical testing. Allele origin: germline.
Comment: This sequence change creates a premature translational stop signal (p.Gln101*) in the TRAIP gene. It is expected to result in an absent or disrupted protein product. Loss-of-function variants in TRAIP are known to be pathogenic (PMID: 26595769, 31974414). This variant is present in population databases (rs200230407, gnomAD 0.003%). This variant has not been reported in the literature in individuals affected with TRAIP-related conditions. ClinVar contains an entry for this variant (Variation ID: 2991455). Algorithms developed to predict the effect of sequence changes on RNA splicing suggest that this variant may disrupt the consensus splice site. For these reasons, this variant has been classified as Pathogenic.

Literature cited by the submitters: PubMed 26595769; PubMed 31974414.